The following is an entry in ClinVar:

NM_178526.5(SLC25A42):c.828_845del (p.Glu277_Arg282del)

Gene: SLC25A42 (solute carrier family 25 member 42; plus strand). Cytogenetic location: 19p13.11.
Variant type: Deletion.
Coding change: c.828_845del on transcript NM_178526.5 (MANE Select); coding-DNA positions 828 to 845, 18 bases deleted (GGAGGAGGGCGCCGTGCG).
Protein change: p.Glu277_Arg282del.
Molecular consequence: inframe deletion.
Genome position (GRCh38, 1-based): chr19:19,110,747-19,110,764, GGAGGAGGGCGCCGTGCG deleted; deleting any 18 consecutive bases within chr19:19,110,741-19,110,764 gives the same sequence; the c. name uses the placement nearest the transcript's 3' end. VCF-style (leftmost placement, unchanged base first): chr19-19110740-TCGTGCGGGAGGAGGGCGC-T. GRCh37 (hg19) VCF-style: chr19-19221549-TCGTGCGGGAGGAGGGCGC-T.
Other names: c.828_845del, p.Glu277_Arg282del (NM_001321544.2).
Identifiers: ClinVar variation 1699749 (VCV001699749.2), dbSNP rs1478581719, ClinGen allele CA784005100.
Genomic context (GRCh38, chr19:19,110,740, plus strand): 5'-TGCAGACGGCCGGCGTCACGGGCTACCCGCGCGCCTCCATCGCCCGCACGCTGCGCACCA[TCGTGCGGGAGGAGGGCGC>T]CGTGCGCGGCCTCTACAAAGGCTTGAGCATGAACTGGGTCAAGGGTCCCATCGCCGTGGG-3'

ClinVar aggregate classification (germline): Uncertain significance (1 of 4 stars; one submission).

Submission:

GeneDx
Classification: Uncertain significance. Last evaluated: 2022-01-26. Review status: criteria provided, single submitter. Criteria: GeneDx Variant Classification Process June 2021. Collection method: clinical testing. Allele origin: germline. Affected: yes.
Comment: Not observed at significant frequency in large population cohorts (gnomAD); In-frame deletion of 6 amino acids in a non-repeat region; In silico analysis supports a deleterious effect on protein structure/function; Has not been previously published as pathogenic or benign to our knowledge